The following is an entry in ClinVar:

NM_032043.3(BRIP1):c.1433A>G (p.His478Arg)

Gene: BRIP1 (BRCA1 interacting DNA helicase 1; minus strand). Cytogenetic location: 17q23.2.
Variant type: single nucleotide variant.
Coding change: c.1433A>G on transcript NM_032043.3 (MANE Select); coding-DNA position 1433, A replaced by G.
Protein change: p.His478Arg; replaces histidine 478 with arginine.
Molecular consequence: missense variant.
Genome position (GRCh38, 1-based): chr17:61,793,637, T>C on the plus strand (A>G on the coding strand, the complement: BRIP1 is on the minus strand). VCF-style: chr17-61793637-T-C. GRCh37 (hg19) VCF-style: chr17-59870998-T-C.
Other names: p.H478R:CAC>CGC; NP_114432.2:p.His478Arg; short protein forms H478R.
Identifiers: ClinVar variation 128157 (VCV000128157.37), dbSNP rs45501097, ClinGen allele CA157673.

ClinVar aggregate classification (germline): Benign/Likely benign. Review status: criteria provided, multiple submitters, no conflicts (2 of 4 stars). 17 submissions from 16 submitters: Benign (9); Likely benign (4). 4 of the submissions do not count toward it. Last evaluated 2026-02-03.

Conditions:
Ovarian cancer. Also called: OVARIAN CANCER, SOMATIC. Identifiers: Orphanet 213500, MedGen C1140680, MONDO:0008170, OMIM 167000.
Fanconi anemia complementation group J. Also called: BRIP1-Related Fanconi Anemia. Identifiers: Orphanet 84, MedGen C1836860, MONDO:0012187, OMIM 609054.
Familial cancer of breast. Also called: hereditary breast carcinoma; Hereditary breast cancer; BREAST CANCER, FAMILIAL. Identifiers: Orphanet 227535, MedGen C0346153, MONDO:0016419, OMIM 114480. Disease mechanism: loss of function.
Hereditary breast ovarian cancer syndrome. Also called: Hereditary breast and ovarian cancer syndrome; Hereditary breast and ovarian cancer syndrome (HBOC); Breast and ovarian cancer; BRCA1- and BRCA2-Associated Hereditary Breast and Ovarian Cancer; Hereditary breast and ovarian cancer; Hereditary breast and/or ovarian cancer syndrome. Identifiers: Orphanet 145, MedGen C0677776, MeSH D061325, MONDO:0003582. Disease mechanism: loss of function.
Hereditary cancer-predisposing syndrome. Also called: Tumor predisposition; Hereditary neoplastic syndrome; Neoplastic Syndromes, Hereditary; Hereditary Cancer Syndrome. Identifiers: Orphanet 140162, MedGen C0027672, MeSH D009386, MONDO:0015356.

Allele frequency attached by ClinVar (database versions not stated): gnomAD 0.00002 and 0.00054; TOPMed 0.00011; ExAC 0.00289; 1000 Genomes Project 30x 0.00312; 1000 Genomes Project 0.00339.
gnomAD v4.1: 1,475 of 1,608,870 alleles (0.092%); highest among the groups gnomAD compares: South Asian, 1.5%; 31 homozygotes.

Submissions (17):

Labcorp Genetics (formerly Invitae), Labcorp
Classification: Benign for Familial cancer of breast; Fanconi anemia complementation group J. Last evaluated: 2026-02-03. Review status: criteria provided, single submitter. Criteria: Invitae Variant Classification Sherloc (09022015). Collection method: clinical testing. Allele origin: germline.

Mayo Clinic Laboratories, Mayo Clinic
Classification: Likely benign. Last evaluated: 2025-09-16. Review status: criteria provided, single submitter. Criteria: ACMG Guidelines, 2015. Collection method: clinical testing. Allele origin: germline. Observed: 1 variant allele.
Comment: BS1, BP1

Center for Genomic Medicine, Rigshospitalet, Copenhagen University Hospital
Classification: Benign. Last evaluated: 2025-03-04. Review status: criteria provided, single submitter. Criteria: ACMG Guidelines, 2015. Collection method: clinical testing. Allele origin: germline.

Blueprint Genetics
Classification: Likely benign. Last evaluated: 2024-11-07. Review status: criteria provided, single submitter. Criteria: ACMG Guidelines, 2015. Collection method: clinical testing. Allele origin: germline.

KCCC/NGS Laboratory, Kuwait Cancer Control Center
Classification: Benign for Familial cancer of breast. Last evaluated: 2023-07-07. Review status: criteria provided, single submitter. Criteria: ACMG Guidelines, 2015. Collection method: clinical testing. Allele origin: germline. Affected: yes.

Myriad Genetics, Inc.
Classification: Likely benign for Familial cancer of breast. Last evaluated: 2023-03-02. Review status: criteria provided, single submitter. Criteria: Myriad Autosomal Dominant, Autosomal Recessive and X-Linked Classification Criteria (2023). Collection method: clinical testing. Allele origin: unknown.
Comment: This variant is considered likely benign. This variant has been observed at a population frequency that is significantly greater than expected given the associated disease prevalence and penetrance.

National Health Laboratory Service, Universitas Academic Hospital and University of the Free State
Classification: Benign for Hereditary breast ovarian cancer syndrome. Last evaluated: 2022-04-19. Review status: criteria provided, single submitter. Criteria: ACMG Guidelines, 2015. Collection method: clinical testing. Allele origin: germline. Affected: yes. Observed: 2 variant alleles.

Quest Diagnostics Nichols Institute San Juan Capistrano
Classification: Benign. Last evaluated: 2022-03-29. Review status: criteria provided, single submitter. Criteria: Quest Diagnostics criteria. Collection method: clinical testing. Allele origin: unknown.

Ambry Genetics
Classification: Benign for Hereditary cancer-predisposing syndrome. Last evaluated: 2019-05-07. Review status: criteria provided, single submitter. Criteria: Ambry Variant Classification Scheme 2023. Collection method: clinical testing. Allele origin: germline.

GeneDx
Classification: Benign. Last evaluated: 2018-02-28. Review status: criteria provided, single submitter. Criteria: GeneDx Variant Classification (06012015). Collection method: clinical testing. Allele origin: germline. Affected: yes.
Comment: This variant is considered likely benign or benign based on one or more of the following criteria: it is a conservative change, it occurs at a poorly conserved position in the protein, it is predicted to be benign by multiple in silico algorithms, and/or has population frequency not consistent with disease.

Illumina Laboratory Services, Illumina
Classification: Benign for Fanconi anemia complementation group J. Last evaluated: 2018-01-12. Review status: criteria provided, single submitter. Criteria: ICSL Variant Classification Criteria 13 December 2019. Collection method: clinical testing. Allele origin: germline.
Comment: This variant was observed in the ICSL laboratory as part of a predisposition screen in an ostensibly healthy population. It had not been previously curated by ICSL or reported in the Human Gene Mutation Database (HGMD: prior to June 1st, 2018), and was therefore a candidate for classification through an automated scoring system. Utilizing variant allele frequency, disease prevalence and penetrance estimates, and inheritance mode, an automated score was calculated to assess if this variant is too frequent to cause the disease. Based on the score and internal cut-off values, a variant classified as benign is not then subjected to further curation. The score for this variant resulted in a classification of benign for this disease.

Color Diagnostics, LLC DBA Color Health
Classification: Benign for Hereditary cancer-predisposing syndrome. Last evaluated: 2017-11-12. Review status: criteria provided, single submitter. Criteria: ACMG Guidelines, 2015. Collection method: clinical testing. Allele origin: germline.

Center for Pediatric Genomic Medicine, Children's Mercy Hospital and Clinics
Classification: Likely benign. Last evaluated: 2017-05-11. Review status: criteria provided, single submitter. Criteria: ACMG Guidelines, 2015. Collection method: clinical testing. Allele origin: germline.

Counsyl
Classification: Benign for Fanconi anemia complementation group J. Last evaluated: 2016-07-11. Review status: no assertion criteria provided. Collection method: clinical testing. Allele origin: unknown. Not counted in ClinVar's aggregate classification.

Counsyl
Classification: Benign for Ovarian cancer. Last evaluated: 2016-07-11. Review status: no assertion criteria provided. Collection method: clinical testing. Allele origin: unknown. Not counted in ClinVar's aggregate classification.

ITMI
No classification provided. Condition: AllHighlyPenetrant. Last evaluated: 2013-09-19. Review status: no classification provided. Collection method: reference population. Allele origin: germline. Not counted in ClinVar's aggregate classification.
Comment: Please see associated publication for description of ethnicities

Department of Pathology and Laboratory Medicine, Sinai Health System
Classification: Likely benign. Review status: no assertion criteria provided. Collection method: clinical testing. Allele origin: unknown. Affected: yes. Study: The Canadian Open Genetics Repository (COGR). Not counted in ClinVar's aggregate classification.
Comment: The BRIP1 p.His478Arg variant was identified in 1 of 2520 proband chromosomes (frequency: 0.0004) from individuals or families with Lynch syndrome (Yurgelun 2015). The variant was also identified in dbSNP (ID: rs45501097) as With Uncertain significance allele, ClinVar (classified as benign by Invitae, Counsyl; classified as likely benign by GeneDx; classified as uncertain significance by Ambry Genetics), Zhejiang Colon Cancer Database, databases. The variant was not identified in the Cosmic or MutDB databases. The variant was identified in control databases in 493 (8 homozygous) of 270132 chromosomes at a frequency of 0.002 increasing the likelihood this could be a low frequency benign variant (Genome Aggregation Consortium Feb 27, 2017). The variant was identified in the following populations at a frequency greater than 1%: South Asian in 480 of 29928 chromosomes (freq: 0.016). The p.His478 residue is not conserved in mammals and four out of five computational analyses (PolyPhen-2, SIFT, AlignGVGD, BLOSUM, MutationTaster) do not suggest a high likelihood of impact to the protein; however, this information is not predictive enough to rule out pathogenicity. The variant occurs outside of the splicing consensus sequence and in silico or computational prediction software programs (SpliceSiteFinder, MaxEntScan, NNSPLICE, GeneSplicer, HumanSpliceFinder) do not predict a difference in splicing. The variant is located with the DNA helicase (DNA repair), Rad3 type functional domain the clinical significance of which is not known. In summary, based on the above information, the clinical significance of this variant cannot be determined with certainty at this time although we would lean towards a more benign role for this variant. This variant is classified as likely benign.

Literature cited by the submitters: PubMed 25980754 (cited by Quest Diagnostics Nichols Institute San Juan Capistrano); PubMed 26911350 (cited by Quest Diagnostics Nichols Institute San Juan Capistrano); PubMed 24728327 (cited by 3 submitters); PubMed 33471991 (cited by Quest Diagnostics Nichols Institute San Juan Capistrano); PubMed 17033622 (cited by Quest Diagnostics Nichols Institute San Juan Capistrano and Counsyl); PubMed 17342202 (cited by Counsyl).